The following is an entry in ClinVar:

ClinVar aggregate classification (germline): Uncertain significance (1 of 4 stars; one submission).

Submission:

GeneDx
Classification: Uncertain significance. Last evaluated: 2017-02-07. Review status: criteria provided, single submitter. Criteria: GeneDx Variant Classification (06012015). Collection method: clinical testing. Allele origin: germline. Affected: yes.
Comment: The V169L variant has not been published as a pathogenic variant, nor has it been reported as a benign variant to our knowledge. The variant is not observed in large population cohorts (Lek et al., 2016; 1000 Genomes Consortium et al., 2015; Exome Variant Server). V169L is a conservative amino acid substitution, which is not likely to impact secondary protein structure as these residues share similar properties. However, this substitution occurs at a position that is conserved across species. In silico analysis is inconsistent in its predictions as to whether or not the variant is damaging to the protein structure/function. Additionally, a missense variant in the same residue (V169M) has been observed at GeneDx and is classified as likely benign. In summary, based on the currently available information, it is unclear whether this variant is a pathogenic variant or a rare benign variant.

NM_000444.6(PHEX):c.505G>C (p.Val169Leu)

Gene: PHEX (phosphate regulating endopeptidase homolog X-linked; plus strand). Cytogenetic location: Xp22.11.
Variant type: single nucleotide variant.
Coding change: c.505G>C on transcript NM_000444.6 (MANE Select); coding-DNA position 505, G replaced by C.
Protein change: p.Val169Leu; replaces valine 169 with leucine.
Molecular consequence: missense variant.
Genome position (GRCh38, 1-based): chrX:22,077,544, G>C. VCF-style: chrX-22077544-G-C. GRCh37 (hg19) VCF-style: chrX-22095662-G-C.
Other names: c.505G>C, p.Val169Leu (NM_001282754.2); short protein forms V169L.
Identifiers: ClinVar variation 423452 (VCV000423452.2), dbSNP rs187824835, ClinGen allele CA16621311.